The following is an entry in ClinVar:

NM_016239.4(MYO15A):c.484C>T (p.Arg162Cys)

Gene: MYO15A (myosin XVA; plus strand). Cytogenetic location: 17p11.2.
Variant type: single nucleotide variant.
Coding change: c.484C>T on transcript NM_016239.4 (MANE Select); coding-DNA position 484, C replaced by T.
Protein change: p.Arg162Cys; replaces arginine 162 with cysteine.
Molecular consequence: missense variant.
Genome position (GRCh38, 1-based): chr17:18,119,284, C>T. VCF-style: chr17-18119284-C-T. GRCh37 (hg19) VCF-style: chr17-18022598-C-T.
Other names: short protein forms R162C.
Identifiers: ClinVar variation 322109 (VCV000322109.21), dbSNP rs546203218, ClinGen allele CA8422850.
Genomic context (GRCh38, chr17:18,119,284, plus strand): 5'-CTCCTCAAGAAGGCCGAGGAGTCGGGCAGCGAACAGGCCACAGTGGACGCCTGGCTGCAG[C>T]GCTCGAGCTCCCGCATGGGCTCCCGCAAACTCCCCTTCCCGTCGGGTGCCGAGATCCTGC-3'
Protein context (NP_057323.3, residues 152-172): EQATVDAWLQ[Arg162Cys]SSSRMGSRKL

ClinVar aggregate classification (germline): Conflicting classifications of pathogenicity. Review status: criteria provided, conflicting classifications (1 of 4 stars). 6 submissions from 6 submitters: Uncertain significance (4); Benign (1); Likely benign (1). Last evaluated 2026-01-24.

Conditions:
Autosomal recessive nonsyndromic hearing loss 3. Also called: NEUROSENSORY NONSYNDROMIC RECESSIVE DEAFNESS 3. Identifiers: Orphanet 90636, MedGen C1838263, MONDO:0010860, OMIM 600316.
MYO15A-related disorder. Also called: MYO15A-related condition.

Allele frequency attached by ClinVar (database versions not stated): TOPMed 0.00011; gnomAD 0.00015 and 0.00029; gnomAD exomes 0.00028 and 0.00049; ExAC 0.00070; 1000 Genomes Project 0.00100; 1000 Genomes Project 30x 0.00109.
gnomAD v4.1: 449 of 1,611,848 alleles (0.028%); highest among the groups gnomAD compares: South Asian, 0.24%; 1 homozygote.

Submissions (6):

Labcorp Genetics (formerly Invitae), Labcorp
Classification: Benign. Last evaluated: 2026-01-24. Review status: criteria provided, single submitter. Criteria: Invitae Variant Classification Sherloc (09022015). Collection method: clinical testing. Allele origin: germline.

GeneDx
Classification: Uncertain significance. Last evaluated: 2025-08-19. Review status: criteria provided, single submitter. Criteria: GeneDx Variant Classification Process June 2021. Collection method: clinical testing. Allele origin: germline. Affected: yes.
Comment: In silico analysis supports that this missense variant has a deleterious effect on protein structure/function; Has not been previously published as pathogenic or benign to our knowledge

PreventionGenetics, part of Exact Sciences
Classification: Likely benign for MYO15A-related condition. Last evaluated: 2025-04-29. Review status: criteria provided, single submitter. Criteria: ACMG Guidelines, 2015. Collection method: clinical testing. Allele origin: germline.
Comment: This variant is classified as likely benign based on ACMG/AMP sequence variant interpretation guidelines (Richards et al. 2015 PMID: 25741868, with internal and published modifications).

Blueprint Genetics
Classification: Uncertain significance. Last evaluated: 2024-06-06. Review status: criteria provided, single submitter. Criteria: ACMG Guidelines, 2015. Collection method: clinical testing. Allele origin: germline.

Revvity Omics, Revvity
Classification: Uncertain significance for Autosomal recessive nonsyndromic hearing loss 3. Last evaluated: 2021-02-22. Review status: criteria provided, single submitter. Criteria: ACMG Guidelines, 2015. Collection method: clinical testing. Allele origin: germline.

Illumina Laboratory Services, Illumina
Classification: Uncertain significance for Autosomal recessive nonsyndromic hearing loss 3. Last evaluated: 2018-01-12. Review status: criteria provided, single submitter. Criteria: ICSL Variant Classification Criteria 13 December 2019. Collection method: clinical testing. Allele origin: germline.